The following is an entry in ClinVar:

ClinVar aggregate classification (germline): Uncertain significance (1 of 4 stars; one submission).

gnomAD v4.1: 2 of 1,609,988 alleles (0.00012%); highest among the groups gnomAD compares: African/African-American, 0.0013%; no homozygotes.

Submission:

Dasa
Classification: Uncertain significance. Last evaluated: 2026-04-11. Review status: criteria provided, single submitter. Criteria: DASA Assertion Criteria. Collection method: clinical testing. Allele origin: germline.
Comment: NM_006421.5(ARFGEF1):c.4244A>G (p.Tyr1415Cys) is a missense variant that results in the substitution of tyrosine with cysteine. This variant is rare in population databases. Computational prediction algorithms are consistent with a deleterious effect. The currently available literature and clinical evidence are not sufficient to establish a definitive association between this variant and the reported condition. Therefore, this variant is classified as a variant of uncertain significance.

NM_006421.5(ARFGEF1):c.4244A>G (p.Tyr1415Cys)

Gene: ARFGEF1 (ARF guanine nucleotide exchange factor 1; minus strand). Cytogenetic location: 8q13.2.
Variant type: single nucleotide variant.
Coding change: c.4244A>G on transcript NM_006421.5 (MANE Select); coding-DNA position 4244, A replaced by G.
Protein change: p.Tyr1415Cys; replaces tyrosine 1415 with cysteine.
Molecular consequence: missense variant. On other transcripts: non-coding transcript variant (1).
Genome position (GRCh38, 1-based): chr8:67,219,525, T>C on the plus strand (A>G on the coding strand, the complement: ARFGEF1 is on the minus strand). VCF-style: chr8-67219525-T-C. GRCh37 (hg19) VCF-style: chr8-68131760-T-C.
Other names: c.4244A>G, p.Tyr1415Cys (NM_001413184.1, NM_001413185.1, NM_001413186.1 and 5 more transcripts); c.3644A>G, p.Tyr1215Cys (NM_001413188.1, NM_001413193.1, NM_001413197.1); c.4238A>G, p.Tyr1413Cys (NM_001413190.1); c.2819A>G, p.Tyr940Cys (NM_001413196.1); short protein forms Y1215C, Y1413C, Y1415C, Y940C.
Identifiers: ClinVar variation 4881428 (VCV004881428.2).
Genomic context (GRCh38, chr8:67,219,525, plus strand): 5'-AAGATTCTGAAAACAATTCTAAATAAATCCTGCCACCAGTGTTTCTCATAAGTGTGGCCA[T>C]ATGTTTTCATTATTTCAAACATTACTGTTAAACCCCTAAAATGACAAAACACAATTAGAA-3'
Protein context (NP_006412.2, residues 1405-1425): LTVMFEIMKT[Tyr1415Cys]GHTYEKHWWQ